The following is an entry in ClinVar:

ClinVar aggregate classification (germline): Uncertain significance (1 of 4 stars; one submission).

Conditions:
Ataxia-telangiectasia syndrome (AT). Also called: Ataxia-telangiectasia, complementation group D; AT, COMPLEMENTATION GROUP C; ATAXIA-TELANGIECTASIA, COMPLEMENTATION GROUP A; ATAXIA-TELANGIECTASIA, FRESNO VARIANT; Ataxia-telangiectasia; Ataxia-telangiectasia, complementation group E. Identifiers: Orphanet 100, MedGen C0004135, MONDO:0008840, OMIM 208900.

Submission:

Labcorp Genetics (formerly Invitae), Labcorp
Classification: Uncertain significance for Ataxia-telangiectasia syndrome. Last evaluated: 2024-08-01. Review status: criteria provided, single submitter. Criteria: Invitae Variant Classification Sherloc (09022015). Collection method: clinical testing. Allele origin: germline.
Comment: This variant, c.8814_8816del, is a complex sequence change that results in the deletion of 2 and insertion of 1 amino acid(s) in the ATM protein (p.Met2938_Arg2939delinsIle). This variant is not present in population databases (gnomAD no frequency). This variant has not been reported in the literature in individuals affected with ATM-related conditions. Algorithms developed to predict the effect of sequence changes on RNA splicing suggest that this variant may disrupt the consensus splice site. In summary, the available evidence is currently insufficient to determine the role of this variant in disease. Therefore, it has been classified as a Variant of Uncertain Significance.

NM_000051.4(ATM):c.8814_8816del (p.Met2938_Arg2939delinsIle)

Genes: ATM (ATM serine/threonine kinase; plus strand), C11orf65 (chromosome 11 open reading frame 65; minus strand). Cytogenetic location: 11q22.3.
Variant type: Deletion.
Coding change: c.8814_8816del on transcript NM_000051.4 (MANE Select); coding-DNA positions 8814 to 8816, 3 bases deleted (GAG; older notation c.8814_8816delGAG).
Protein change: p.Met2938_Arg2939delinsIle.
Molecular consequence: inframe indel. On other transcripts: intron variant (2).
Genome position (GRCh38, 1-based): chr11:108,354,838-108,354,840, GAG deleted. VCF-style (leftmost placement, unchanged base first): chr11-108354837-TGAG-T. GRCh37 (hg19) VCF-style: chr11-108225564-TGAG-T.
Other names: c.8814_8816del, p.Met2938_Arg2939delinsIle (NM_001351834.2); c.640+31080_640+31082del (NM_001330368.2); c.695-19548_695-19546del (NM_001351110.2).
Identifiers: ClinVar variation 3661180 (VCV003661180.2).